The following is an entry in ClinVar:

ClinVar aggregate classification (germline): Uncertain significance (1 of 4 stars; one submission).

Conditions:
Spastic paraplegia. Identifiers: MedGen C0037772, HP:0001258.

Submission:

Labcorp Genetics (formerly Invitae), Labcorp
Classification: Uncertain significance for Spastic paraplegia. Last evaluated: 2022-04-13. Review status: criteria provided, single submitter. Criteria: Invitae Variant Classification Sherloc (09022015). Collection method: clinical testing. Allele origin: germline.
Comment: In summary, the available evidence is currently insufficient to determine the role of this variant in disease. Therefore, it has been classified as a Variant of Uncertain Significance. Experimental studies and prediction algorithms are not available or were not evaluated, and the functional significance of this variant is currently unknown. This variant has not been reported in the literature in individuals affected with KIF5A-related conditions. This variant is not present in population databases (gnomAD no frequency). This sequence change affects the initiator methionine of the KIF5A mRNA. The next in-frame methionine is located at codon 68.

NM_004984.4(KIF5A):c.-1_15del (p.Met1fs)

Gene: KIF5A (kinesin family member 5A; plus strand). Cytogenetic location: 12q13.3.
Variant type: Deletion.
Coding change: c.-1_15del on transcript NM_004984.4 (MANE Select); 1 bases upstream of the start codon through coding-DNA position 15, 16 bases deleted (CATGGCGGAGACCAAC).
Protein change: p.Met1fs; shifts the reading frame from methionine 1.
Molecular consequence: frameshift variant, initiator codon variant.
Genome position (GRCh38, 1-based): chr12:57,550,271-57,550,286, CATGGCGGAGACCAAC deleted; deleting any 16 consecutive bases within chr12:57,550,269-57,550,286 gives the same sequence; the c. name uses the placement nearest the transcript's 3' end. VCF-style (leftmost placement, unchanged base first): chr12-57550268-CACCATGGCGGAGACCA-C. GRCh37 (hg19) VCF-style: chr12-57944051-CACCATGGCGGAGACCA-C.
Other names: c.-1_15del, p.Met1fs (NM_001354705.2); short protein forms M1fs.
Identifiers: ClinVar variation 2125987 (VCV002125987.5), dbSNP rs2540481282, ClinGen allele CA2580086526.